The following is an entry in ClinVar:

ClinVar aggregate classification (germline): Uncertain significance (1 of 4 stars; one submission).

gnomAD v4.1: 1 of 1,209,363 alleles (0.000083%); highest among the groups gnomAD compares: Non-Finnish European, 0.00011%; no homozygotes.

Submission:

GeneDx
Classification: Uncertain significance. Last evaluated: 2017-06-20. Review status: criteria provided, single submitter. Criteria: GeneDx Variant Classification (06012015). Collection method: clinical testing. Allele origin: germline. Affected: yes.
Comment: A variant of uncertain significance has been identified in the PGK1 gene. The A109V variant has not been published as a pathogenic variant, nor has it been reported as a benign variant to our knowledge. The A109V variant is not observed in large population cohorts (Lek et al., 2016; 1000 Genomes Consortium et al., 2015; Exome Variant Server). This substitution occurs at a position that is conserved across species. In silico analysis predicts this variant is probably damaging to the protein structure/function. However, the A109V variant is a conservative amino acid substitution, which is not likely to impact secondary protein structure as these residues share similar properties. Therefore, based on the currently available information, it is unclear whether this variant is a pathogenic variant or a rare benign variant.

NM_000291.4(PGK1):c.326C>T (p.Ala109Val)

Gene: PGK1 (phosphoglycerate kinase 1; plus strand). Cytogenetic location: Xq21.1.
Variant type: single nucleotide variant.
Coding change: c.326C>T on transcript NM_000291.4 (MANE Select); coding-DNA position 326, C replaced by T.
Protein change: p.Ala109Val; replaces alanine 109 with valine.
Molecular consequence: missense variant.
Genome position (GRCh38, 1-based): chrX:78,114,069, C>T. VCF-style: chrX-78114069-C-T. GRCh37 (hg19) VCF-style: chrX-77369566-C-T.
Other names: short protein forms A109V.
Identifiers: ClinVar variation 432716 (VCV000432716.2), dbSNP rs1161966279, ClinGen allele CA413719702.